The following is an entry in ClinVar:

ClinVar aggregate classification (germline): Pathogenic. Review status: criteria provided, multiple submitters, no conflicts (2 of 4 stars). 4 submissions from 4 submitters: Pathogenic (2). 2 of the submissions do not count toward it. Last evaluated 2024-04-13.

Conditions:
Alkaptonuria (AKU). Also called: HOMOGENTISIC ACID OXIDASE DEFICIENCY; Alcaptonuria; Homogentisic acidura; Alkaptonuric ochronosis. Identifiers: Orphanet 56, MedGen C0002066, MONDO:0008753, OMIM 203500.
HGD-related disorder. Also called: HGD-related condition.

Submissions (4):

Fulgent Genetics
Classification: Pathogenic for Alkaptonuria. Last evaluated: 2024-04-13. Review status: criteria provided, single submitter. Criteria: ACMG Guidelines, 2015. Collection method: clinical testing. Allele origin: germline.

PreventionGenetics, part of Exact Sciences
Classification: Pathogenic for HGD-related condition. Last evaluated: 2023-08-23. Review status: criteria provided, single submitter. Criteria: ACMG Guidelines, 2015. Collection method: clinical testing. Allele origin: germline.
Comment: The HGD c.1017_1019delinsTA variant is predicted to result in a frameshift and premature protein termination (p.Met339Ilefs*30). This variant was reported in the compound heterozygous state in an individual with alkaptonuria (Vilboux et al. 2009. PubMed ID: 19862842). This variant has not been reported in a large population database, indicating this variant is rare. Frameshift variants in HGD are expected to be pathogenic. This variant is interpreted as pathogenic.

Counsyl
Classification: Pathogenic for Alkaptonuria. Last evaluated: 2016-07-22. Review status: no assertion criteria provided. Collection method: clinical testing. Allele origin: unknown. Not counted in ClinVar's aggregate classification.

Department Of Human Genetics, Institute Of Clinical And Translational Research, Biomedical Research Center, Slovak Academy Of Sciences
Classification: Pathogenic for Alkaptonuria. Review status: no assertion criteria provided. Collection method: research. Allele origin: germline. Inheritance: Autosomal recessive inheritance. Affected: yes. Observed: 7 variant alleles. Not counted in ClinVar's aggregate classification.
Comment: The variant was originally described in AKU patient in PMID:19862842. It has been submitted to the HGD gene mutation database (DB-ID: AKU_00092).

Literature cited by the submitters: PubMed 19862842 (cited by Counsyl and Department Of Human Genetics, Institute Of Clinical And Translational Research, Biomedical Research Center, Slovak Academy Of Sciences).

NM_000187.4(HGD):c.1017_1019delinsTA (p.Met339fs)

Gene: HGD (homogentisate 1,2-dioxygenase; minus strand). Cytogenetic location: 3q13.33.
Variant type: Indel.
Coding change: c.1017_1019delinsTA on transcript NM_000187.4 (MANE Select); coding-DNA positions 1017 to 1019, GAG replaced by TA.
Protein change: p.Met339fs; shifts the reading frame from methionine 339.
Molecular consequence: frameshift variant.
Genome position (GRCh38, 1-based): chr3:120,633,316-120,633,318, CTC replaced by TA on the plus strand (GAG replaced by TA on the coding strand, the reverse complement: HGD is on the minus strand). VCF-style: chr3-120633316-CTC-TA. GRCh37 (hg19) VCF-style: chr3-120352163-CTC-TA.
Other names: c.1017_1019delGAGinsTA (NM_000187.4); c.1017_1019delinsTA (NM_000187.3); short protein forms M339fs.
Identifiers: ClinVar variation 371197 (VCV000371197.7), dbSNP rs1057517081, ClinGen allele CA16040886.